The following is an entry in ClinVar:

ClinVar aggregate classification (germline): Pathogenic. Review status: criteria provided, multiple submitters, no conflicts (2 of 4 stars). 3 submissions from 3 submitters: Pathogenic (3). Last evaluated 2024-11-25.

Conditions:
AIRE-related disorder. Also called: AIRE-related condition.
Polyglandular autoimmune syndrome, type 1 (APS1). Also called: Autoimmune polyendocrinopathy syndrome, type I; Autoimmune polyendocrine syndrome type 1; Whitaker syndrome; AUTOIMMUNE POLYENDOCRINE SYNDROME, TYPE I, WITH OR WITHOUT REVERSIBLE METAPHYSEAL DYSPLASIA; APS I; Autoimmune polyendocrinopathy syndrome , type I, with or without reversible metaphyseal dysplasia. Identifiers: Orphanet 3453, MedGen C0085859, MONDO:0009411, OMIM 240300.

Allele frequency attached by ClinVar (database versions not stated): gnomAD exomes below 0.00001.

Submissions (3):

Natera, Inc.
Classification: Pathogenic for Polyglandular autoimmune syndrome type 1. Last evaluated: 2024-11-25. Review status: criteria provided, single submitter. Criteria: Natera Variant Classification Schema (03/2026). Collection method: clinical testing. Allele origin: germline.
Comment: The c.21_43dup variant in AIRE is a frameshift variant predicted to shift the reading frame beginning at codon 15 and leads to a stop codon 5 codons downstream. This variant is expected to result in nonsense mediated decay, truncation, or a dysfunctional protein product. This variant is rare in the general population with a frequency below the threshold expected for the associated phenotype(s). This variant has been observed in one or more individuals affected with the associated recessive disease, as either homozygous or compound heterozygous with a second variant (PMID: 27646917). Given the available evidence, this variant is classified as Pathogenic.

Blueprint Genetics
Classification: Pathogenic for AIRE-related disorders. Last evaluated: 2024-08-01. Review status: criteria provided, single submitter. Criteria: ACMG Guidelines, 2015. Collection method: clinical testing. Allele origin: germline. Affected: yes. Observed: 5 variant alleles.

Labcorp Genetics (formerly Invitae), Labcorp
Classification: Pathogenic for Polyglandular autoimmune syndrome, type 1. Last evaluated: 2023-12-25. Review status: criteria provided, single submitter. Criteria: Invitae Variant Classification Sherloc (09022015). Collection method: clinical testing. Allele origin: germline.
Comment: This sequence change creates a premature translational stop signal (p.Arg15Hisfs*5) in the AIRE gene. It is expected to result in an absent or disrupted protein product. Loss-of-function variants in AIRE are known to be pathogenic (PMID: 11524731, 26141571). This variant is not present in population databases (gnomAD no frequency). This premature translational stop signal has been observed in individual(s) with autosomal recessive AIRE-related conditions (PMID: 18682433, 19863576, 27646917). ClinVar contains an entry for this variant (Variation ID: 636457). For these reasons, this variant has been classified as Pathogenic.

Literature cited by the submitters: PubMed 27646917 (cited by Natera, Inc. and Labcorp Genetics (formerly Invitae), Labcorp); PubMed 11524731 (cited by Labcorp Genetics (formerly Invitae), Labcorp); PubMed 26141571 (cited by Labcorp Genetics (formerly Invitae), Labcorp); PubMed 18682433 (cited by Labcorp Genetics (formerly Invitae), Labcorp); PubMed 19863576 (cited by Labcorp Genetics (formerly Invitae), Labcorp).

NM_000383.4(AIRE):c.21_43dup (p.Arg15delinsHisAlaGlyPheTer)

Gene: AIRE (autoimmune regulator; plus strand). Cytogenetic location: 21q22.3.
Variant type: Duplication.
Coding change: c.21_43dup on transcript NM_000383.4 (MANE Select); coding-DNA positions 21 to 43, 23 bases duplicated (ACGCCGGCTTCTGAGGCTGCACC).
Protein change: p.Arg15delinsHisAlaGlyPheTer.
Molecular consequence: nonsense.
Genome position (GRCh38, 1-based): chr21:44,286,027-44,286,049, ACGCCGGCTTCTGAGGCTGCACC duplicated. VCF-style (leftmost placement, unchanged base first): chr21-44286026-T-TACGCCGGCTTCTGAGGCTGCACC. GRCh37 (hg19) VCF-style: chr21-45705909-T-TACGCCGGCTTCTGAGGCTGCACC.
Identifiers: ClinVar variation 636457 (VCV000636457.13), dbSNP rs1601963938, ClinGen allele CA915952714.